The following is an entry in ClinVar:

NM_007294.4(BRCA1):c.1711A>G (p.Ile571Val)

Gene: BRCA1 (BRCA1 DNA repair associated; minus strand). Cytogenetic location: 17q21.31.
Variant type: single nucleotide variant.
Coding change: c.1711A>G on transcript NM_007294.4 (MANE Select); coding-DNA position 1711, A replaced by G.
Protein change: p.Ile571Val; replaces isoleucine 571 with valine.
Molecular consequence: missense variant. On other transcripts: intron variant (137).
Genome position (GRCh38, 1-based): chr17:43,093,820, T>C on the plus strand (A>G on the coding strand, the complement: BRCA1 is on the minus strand). VCF-style: chr17-43093820-T-C. GRCh37 (hg19) VCF-style: chr17-41245837-T-C.
Other names: c.1711A>G, p.Ile571Val (NM_001407620.1, NM_001407621.1, NM_001407622.1 and 30 more transcripts); c.1708A>G, p.Ile570Val (NM_001407627.1, NM_001407628.1, NM_001407629.1 and 22 more transcripts); c.1702A>G, p.Ile568Val (NM_001407646.1, NM_001407647.1); c.1588A>G, p.Ile530Val (NM_001407648.1, NM_001407664.1, NM_001407665.1 and 19 more transcripts); c.1585A>G, p.Ile529Val (NM_001407649.1, NM_001407670.1, NM_001407685.1 and 11 more transcripts); c.1630A>G, p.Ile544Val (NM_001407661.1, NM_001407662.1, NM_001407659.1 and 1 more transcripts); c.1633A>G, p.Ile545Val (NM_001407663.1, NM_001407653.1, NM_001407654.1 and 4 more transcripts); c.1570A>G, p.Ile524Val (NM_001407725.1, NM_001407726.1, NM_001407727.1 and 29 more transcripts); and 40 more; short protein forms I571V, I524V, I403V, I459V, I501V, I503V, I460V, I500V.
Identifiers: ClinVar variation 462566 (VCV000462566.21), dbSNP rs1310719199, ClinGen allele CA10598605.
Genomic context (GRCh38, chr17:43,093,820, plus strand): 5'-TACTGCTGCTTATAGGTTCAGCTTTCGTTTTGAAAGCAGATTCTTTTTCGAGTGATTCTA[T>C]TGGGTTAGGATTTTTCTCATTCTGAATAGAATCACCTTTTGTTTTATTCTCATGACCACT-3'
Protein context (NP_009225.1, residues 561-581): SIQNEKNPNP[Ile571Val]ESLEKESAFK

ClinVar aggregate classification (germline): Conflicting classifications of pathogenicity. Review status: criteria provided, conflicting classifications (1 of 4 stars). 7 submissions from 7 submitters: Uncertain significance (6); Likely benign (1). Last evaluated 2026-05-27.

Conditions:
Inherited breast cancer and ovarian cancer.
Hereditary breast ovarian cancer syndrome. Also called: Hereditary breast and ovarian cancer; Breast and ovarian cancer; Hereditary breast and/or ovarian cancer syndrome; BRCA1- and BRCA2-Associated Hereditary Breast and Ovarian Cancer; Hereditary breast and ovarian cancer syndrome; Hereditary breast and ovarian cancer syndrome (HBOC). Identifiers: Orphanet 145, MedGen C0677776, MeSH D061325, MONDO:0003582. Disease mechanism: loss of function.
Fanconi anemia, complementation group S (FANCS). Identifiers: MedGen C4554406, MONDO:0054748, OMIM 617883.
Hereditary cancer-predisposing syndrome. Also called: Neoplastic Syndromes, Hereditary; Tumor predisposition; Hereditary Cancer Syndrome; Hereditary neoplastic syndrome. Identifiers: Orphanet 140162, MedGen C0027672, MeSH D009386, MONDO:0015356.

Allele frequency attached by ClinVar (database versions not stated): gnomAD exomes 0.00001.
gnomAD v4.1: 16 of 1,613,654 alleles (0.00099%); highest among the groups gnomAD compares: Non-Finnish European, 0.0013%; no homozygotes.

Submissions (7):

Genomics and Molecular Medicine Service, East Genomic Laboratory Hub, NHS Genomic Medicine Service
Classification: Uncertain significance for Inherited breast cancer and ovarian cancer. Last evaluated: 2026-05-27. Review status: criteria provided, single submitter. Criteria: ACGS Best Practice Guidelines for Variant Classification in Rare Disease 2020. Collection method: clinical testing. Allele origin: germline. Affected: yes.
Comment: BP1_Strong

Labcorp Genetics (formerly Invitae), Labcorp
Classification: Uncertain significance for Hereditary breast ovarian cancer syndrome. Last evaluated: 2025-11-04. Review status: criteria provided, single submitter. Criteria: Invitae Variant Classification Sherloc (09022015). Collection method: clinical testing. Allele origin: germline.
Comment: This sequence change replaces isoleucine, which is neutral and non-polar, with valine, which is neutral and non-polar, at codon 571 of the BRCA1 protein (p.Ile571Val). This variant is present in population databases (no rsID available, gnomAD 0.002%). This missense change has been observed in individual(s) with breast cancer (PMID: 35980532). ClinVar contains an entry for this variant (Variation ID: 462566). Invitae Evidence Modeling of protein sequence and biophysical properties (such as structural, functional, and spatial information, amino acid conservation, physicochemical variation, residue mobility, and thermodynamic stability) indicates that this missense variant is not expected to disrupt BRCA1 protein function with a negative predictive value of 80%. In summary, the available evidence is currently insufficient to determine the role of this variant in disease. Therefore, it has been classified as a Variant of Uncertain Significance.

Color Diagnostics, LLC DBA Color Health
Classification: Uncertain significance for Hereditary cancer-predisposing syndrome. Last evaluated: 2025-05-20. Review status: criteria provided, single submitter. Criteria: ACMG Guidelines, 2015. Collection method: clinical testing. Allele origin: germline.
Comment: This missense variant replaces isoleucine with valine at codon 571 of the BRCA1 protein. Computational prediction is inconclusive regarding the impact of this variant on protein structure and function. To our knowledge, functional studies have not been reported for this variant. This variant has been detected in at least one individual affected with breast cancer (PMID: 33471991Leiden Open Variation Database DB-ID BRCA1_006015). This variant has been identified in 2/250740 chromosomes in the general population by the Genome Aggregation Database (gnomAD). The available evidence is insufficient to determine the role of this variant in disease conclusively. Therefore, this variant is classified as a Variant of Uncertain Significance.

Ambry Genetics
Classification: Uncertain significance for Hereditary cancer-predisposing syndrome. Last evaluated: 2024-04-25. Review status: criteria provided, single submitter. Criteria: Ambry Variant Classification Scheme 2023. Collection method: clinical testing. Allele origin: germline.
Comment: The p.I571V variant (also known as c.1711A>G), located in coding exon 9 of the BRCA1 gene, results from an A to G substitution at nucleotide position 1711. The isoleucine at codon 571 is replaced by valine, an amino acid with highly similar properties. This amino acid position is poorly conserved in available vertebrate species. In addition, the in silico prediction for this alteration is inconclusive. Since supporting evidence is limited at this time, the clinical significance of this alteration remains unclear.

University of Washington Department of Laboratory Medicine, University of Washington
Classification: Likely benign for Hereditary cancer-predisposing syndrome. Last evaluated: 2023-03-23. Review status: criteria provided, single submitter. Criteria: Dines et al. (Genet Med. 2020). Collection method: curation. Allele origin: germline.
Comment: Missense variant in a coldspot region where missense variants are very unlikely to be pathogenic (PMID:31911673).

BRCA1 coldspot (exon 11 using historical exon numbering). Reclassification based on statistical prior probability

Department of Pathology and Laboratory Medicine, Sinai Health System
Classification: Uncertain significance for Fanconi anemia, complementation group S. Last evaluated: 2022-03-31. Review status: criteria provided, single submitter. Criteria: ACMG Guidelines, 2015. Collection method: clinical testing. Allele origin: germline. Affected: no.

Women's Health and Genetics/Laboratory Corporation of America, LabCorp
Classification: Uncertain significance. Last evaluated: 2019-10-14. Review status: criteria provided, single submitter. Criteria: LabCorp Variant Classification Summary - May 2015. Collection method: clinical testing. Allele origin: germline.
Comment: Variant summary: BRCA1 c.1711A>G (p.Ile571Val) results in a conservative amino acid change in the encoded protein sequence. Five of five in-silico tools predict a benign effect of the variant on protein function. The variant allele was found at a frequency of 8e-06 in 250740 control chromosomes (gnomAD). The available data on variant occurrences in the general population are insufficient to allow any conclusion about variant significance. To our knowledge, no occurrence of c.1711A>G in individuals affected with Hereditary Breast and Ovarian Cancer and no experimental evidence demonstrating its impact on protein function have been reported. One ClinVar submitter (evaluation after 2014) cites this variant as uncertain significance. Based on the evidence outlined above, the variant was classified as uncertain significance.

Literature cited by the submitters: PubMed 35980532 (cited by Labcorp Genetics (formerly Invitae), Labcorp); PubMed 33471991 (cited by Color Diagnostics, LLC DBA Color Health).